The following is an entry in ClinVar:

NM_004329.3(BMPR1A):c.1594dup (p.Ile532fs)

Gene: BMPR1A (bone morphogenetic protein receptor type 1A; plus strand). Cytogenetic location: 10q23.2.
Variant type: Duplication.
Coding change: c.1594dup on transcript NM_004329.3 (MANE Select); coding-DNA position 1594, one base duplicated (A; older notation c.1594dupA).
Protein change: p.Ile532fs; shifts the reading frame from isoleucine 532.
Molecular consequence: frameshift variant. On other transcripts: non-coding transcript variant (3).
Genome position (GRCh38, 1-based): chr10:86,923,714, A duplicated; the last of 5 consecutive A bases (chr10:86,923,710-86,923,714); duplicating any one gives the same sequence. VCF-style (leftmost placement, unchanged base first): chr10-86923709-T-TA. GRCh37 (hg19) VCF-style: chr10-88683466-T-TA.
Other names: c.1594dup, p.Ile532fs (NM_001406562.1, NM_001406563.1, NM_001406564.1 and 19 more transcripts); c.1588dup, p.Ile530fs (NM_001406583.1); c.1510dup, p.Ile504fs (NM_001406584.1, NM_001406585.1, NM_001406586.1 and 2 more transcripts); c.1252dup, p.Ile418fs (NM_001406589.1); c.1669dup, p.Ile557fs (NM_001406559.1); c.1642dup, p.Ile548fs (NM_001406560.1); short protein forms I418fs, I530fs, I548fs, I504fs, I532fs, I557fs.
Identifiers: ClinVar variation 4727994 (VCV004727994.1).

ClinVar aggregate classification (germline): Uncertain significance (1 of 4 stars; one submission).

Conditions:
Juvenile polyposis syndrome (JPS). Identifiers: Orphanet 2929, MedGen C0345893, MONDO:0017380, OMIM 174900.

Submission:

Labcorp Genetics (formerly Invitae), Labcorp
Classification: Uncertain significance for Juvenile polyposis syndrome. Last evaluated: 2025-09-28. Review status: criteria provided, single submitter. Criteria: Invitae Variant Classification Sherloc (09022015). Collection method: clinical testing. Allele origin: germline.
Comment: This sequence change is expected to alter the c-terminus of the BMPR1A protein (p.Ile532Asnfs*12). While this is not anticipated to result in nonsense mediated decay, it is expected to disrupt the last 1 amino acid(s) of the BMPR1A protein and extend the protein by 10 additional amino acid residues. This variant is not present in population databases (gnomAD no frequency). This variant has not been reported in the literature in individuals affected with BMPR1A-related conditions. Experimental studies and prediction algorithms are not available or were not evaluated, and the functional significance of this variant is currently unknown. In summary, the available evidence is currently insufficient to determine the role of this variant in disease. Therefore, it has been classified as a Variant of Uncertain Significance.